The following is an entry in ClinVar:

ClinVar aggregate classification (germline): Uncertain significance (1 of 4 stars; one submission).

Submission:

Labcorp Genetics (formerly Invitae), Labcorp
Classification: Uncertain significance. Last evaluated: 2024-06-10. Review status: criteria provided, single submitter. Criteria: Invitae Variant Classification Sherloc (09022015). Collection method: clinical testing. Allele origin: germline.
Comment: This sequence change replaces alanine, which is neutral and non-polar, with valine, which is neutral and non-polar, at codon 241 of the CAPN1 protein (p.Ala241Val). This variant is present in population databases (rs747021167, gnomAD 0.006%). This variant has not been reported in the literature in individuals affected with CAPN1-related conditions. Advanced modeling of protein sequence and biophysical properties (such as structural, functional, and spatial information, amino acid conservation, physicochemical variation, residue mobility, and thermodynamic stability) performed at Invitae indicates that this missense variant is expected to disrupt CAPN1 protein function with a positive predictive value of 80%. In summary, the available evidence is currently insufficient to determine the role of this variant in disease. Therefore, it has been classified as a Variant of Uncertain Significance.

NM_005186.4(CAPN1):c.722C>T (p.Ala241Val)

Gene: CAPN1 (calpain 1; plus strand). Cytogenetic location: 11q13.1.
Variant type: single nucleotide variant.
Coding change: c.722C>T on transcript NM_005186.4 (MANE Select); coding-DNA position 722, C replaced by T.
Protein change: p.Ala241Val; replaces alanine 241 with valine.
Molecular consequence: missense variant. On other transcripts: non-coding transcript variant (1).
Genome position (GRCh38, 1-based): chr11:65,186,301, C>T. VCF-style: chr11-65186301-C-T. GRCh37 (hg19) VCF-style: chr11-64953772-C-T.
Other names: c.722C>T, p.Ala241Val (NM_001198868.2, NM_001198869.2); short protein forms A241V.
Identifiers: ClinVar variation 3707715 (VCV003707715.2).